The following is an entry in ClinVar:

ClinVar aggregate classification (germline): Pathogenic (1 of 4 stars; one submission).

Submission:

Labcorp Genetics (formerly Invitae), Labcorp
Classification: Pathogenic. Last evaluated: 2024-01-06. Review status: criteria provided, single submitter. Criteria: Invitae Variant Classification Sherloc (09022015). Collection method: clinical testing. Allele origin: germline.
Comment: This sequence change creates a premature translational stop signal (p.Ala500Argfs*78) in the SLCO2A1 gene. It is expected to result in an absent or disrupted protein product. Loss-of-function variants in SLCO2A1 are known to be pathogenic (PMID: 22553128, 23509104). This variant is not present in population databases (gnomAD no frequency). This variant has not been reported in the literature in individuals affected with SLCO2A1-related conditions. For these reasons, this variant has been classified as Pathogenic.

Literature cited by the submitters: PubMed 22553128; PubMed 23509104.

NM_005630.3(SLCO2A1):c.1497dup (p.Ala500fs)

Gene: SLCO2A1 (solute carrier organic anion transporter family member 2A1; minus strand). Cytogenetic location: 3q22.1.
Variant type: Duplication.
Coding change: c.1497dup on transcript NM_005630.3 (MANE Select); coding-DNA position 1497, one base duplicated (C; older notation c.1497dupC).
Protein change: p.Ala500fs; shifts the reading frame from alanine 500.
Molecular consequence: frameshift variant.
Genome position (GRCh38, 1-based): chr3:133,942,733, G duplicated on the plus strand (C on the coding strand, the reverse complement: SLCO2A1 is on the minus strand); the first of 2 consecutive G bases (chr3:133,942,733-133,942,734); duplicating either gives the same sequence. VCF-style (leftmost placement, unchanged base first): chr3-133942732-C-CG. GRCh37 (hg19) VCF-style: chr3-133661576-C-CG.
Other names: short protein forms A500fs.
Identifiers: ClinVar variation 2708031 (VCV002708031.3), dbSNP rs2530965720, ClinGen allele CA2697556875.